The following is an entry in ClinVar:

NM_006767.4(LZTR1):c.1672C>T (p.Gln558Ter)

Gene: LZTR1 (leucine zipper like post translational regulator 1; plus strand). Cytogenetic location: 22q11.21.
Variant type: single nucleotide variant.
Coding change: c.1672C>T on transcript NM_006767.4 (MANE Select); coding-DNA position 1672, C replaced by T.
Protein change: p.Gln558Ter; replaces glutamine 558 with a stop codon.
Molecular consequence: nonsense.
Genome position (GRCh38, 1-based): chr22:20,994,614, C>T. VCF-style: chr22-20994614-C-T. GRCh37 (hg19) VCF-style: chr22-21348903-C-T.
Other names: short protein forms Q558*.
Identifiers: ClinVar variation 1777724 (VCV001777724.2), dbSNP rs1207454395, ClinGen allele CA410776760.

ClinVar aggregate classification (germline): Pathogenic (1 of 4 stars; one submission).

Conditions:
Cardiovascular phenotype. Identifiers: MedGen CN230736.
Hereditary cancer-predisposing syndrome. Also called: Neoplastic Syndromes, Hereditary; Tumor predisposition; Hereditary Cancer Syndrome; Hereditary neoplastic syndrome. Identifiers: Orphanet 140162, MedGen C0027672, MeSH D009386, MONDO:0015356.

Allele frequency attached by ClinVar (database versions not stated): gnomAD exomes below 0.00001.
gnomAD v4.1: 2 of 1,612,748 alleles (0.00012%); highest among the groups gnomAD compares: Non-Finnish European, 0.00017%; no homozygotes.

Submission:

Ambry Genetics
Classification: Pathogenic for Cardiovascular phenotype; Hereditary cancer-predisposing syndrome. Last evaluated: 2022-09-25. Review status: criteria provided, single submitter. Criteria: Ambry Variant Classification Scheme 2023. Collection method: clinical testing. Allele origin: germline.
Comment: The p.Q558* pathogenic mutation (also known as c.1672C>T), located in coding exon 15 of the LZTR1 gene, results from a C to T substitution at nucleotide position 1672. This changes the amino acid from a glutamine to a stop codon within coding exon 15. This alteration is expected to result in loss of function by premature protein truncation or nonsense-mediated mRNA decay. Loss-of-function variants in LZTR1 are related to an increased risk for schwannomas and autosomal recessive Noonan syndrome; however, such associations with autosomal dominant Noonan syndrome have not been observed (Piotrowski A et al. Nat Genet. 2014 Feb;46:182-7; Yamamoto GL et al. J Med Genet. 2015 Jun;52:413-21; Johnston JJ et al. Genet Med. 2018 10;20:1175-1185). Based on the supporting evidence, this variant is pathogenic for an increased risk of LZTR1-related schwannomatosis (SWN) and would be expected to cause autosomal recessive Noonan syndrome when present along with a second pathogenic or likely pathogenic variant on the other allele; however, the association of this alteration with autosomal dominant Noonan syndrome is unlikely.